The following is an entry in ClinVar:

ClinVar aggregate classification (germline): Uncertain significance. Review status: criteria provided, multiple submitters, no conflicts (2 of 4 stars). 2 submissions from 2 submitters: Uncertain significance (2). Last evaluated 2022-05-25.

Conditions:
Breast-ovarian cancer, familial, susceptibility to, 3. Also called: RAD51C-Related Breast/Ovarian Cancer. Identifiers: Orphanet 145, MedGen C3150659, MONDO:0013253, OMIM 613399.
Fanconi anemia complementation group O. Also called: RAD51C-Related Fanconi Anemia. Identifiers: Orphanet 84, MedGen C3150653, MONDO:0013248, OMIM 613390.

Submissions (2):

Fulgent Genetics
Classification: Uncertain significance for Fanconi anemia complementation group O; Breast-ovarian cancer, familial, susceptibility to, 3. Last evaluated: 2022-05-25. Review status: criteria provided, single submitter. Criteria: ACMG Guidelines, 2015. Collection method: clinical testing. Allele origin: unknown.

Labcorp Genetics (formerly Invitae), Labcorp
Classification: Uncertain significance for Fanconi anemia complementation group O. Last evaluated: 2021-07-06. Review status: criteria provided, single submitter. Criteria: Invitae Variant Classification Sherloc (09022015). Collection method: clinical testing. Allele origin: germline.
Comment: This sequence change replaces methionine with valine at codon 118 of the RAD51C protein (p.Met118Val). The methionine residue is weakly conserved and there is a small physicochemical difference between methionine and valine. This variant is not present in population databases (ExAC no frequency). This variant has not been reported in the literature in individuals affected with RAD51C-related conditions. Algorithms developed to predict the effect of missense changes on protein structure and function (SIFT, PolyPhen-2, Align-GVGD) all suggest that this variant is likely to be tolerated. In summary, the available evidence is currently insufficient to determine the role of this variant in disease. Therefore, it has been classified as a Variant of Uncertain Significance.

NM_058216.3(RAD51C):c.352A>G (p.Met118Val)

Gene: RAD51C (RAD51 paralog C; plus strand). Cytogenetic location: 17q22.
Variant type: single nucleotide variant.
Coding change: c.352A>G on transcript NM_058216.3 (MANE Select); coding-DNA position 352, A replaced by G.
Protein change: p.Met118Val; replaces methionine 118 with valine.
Molecular consequence: missense variant. On other transcripts: non-coding transcript variant (2).
Genome position (GRCh38, 1-based): chr17:58,695,137, A>G. VCF-style: chr17-58695137-A-G. GRCh37 (hg19) VCF-style: chr17-56772498-A-G.
Other names: c.352A>G, p.Met118Val (NM_002876.4); short protein forms M118V.
Identifiers: ClinVar variation 1517986 (VCV001517986.9), dbSNP rs2143725777, ClinGen allele CA400341556.